The following is an entry in ClinVar:

NM_001130987.2(DYSF):c.2782A>T (p.Lys928Ter)

Gene: DYSF (dysferlin; plus strand). Cytogenetic location: 2p13.2.
Variant type: single nucleotide variant.
Coding change: c.2782A>T on transcript NM_001130987.2 (MANE Select); coding-DNA position 2782, A replaced by T.
Protein change: p.Lys928Ter; replaces lysine 928 with a stop codon.
Molecular consequence: nonsense.
Genome position (GRCh38, 1-based): chr2:71,568,256, A>T. VCF-style: chr2-71568256-A-T. GRCh37 (hg19) VCF-style: chr2-71795386-A-T.
Other names: c.2731A>T, p.Lys911Ter (NM_001130455.2, NM_001130983.2); c.2686A>T, p.Lys896Ter (NM_001130976.2, NM_001130977.2); c.2728A>T, p.Lys910Ter (NM_001130978.2, NM_003494.4); c.2821A>T, p.Lys941Ter (NM_001130979.2); c.2779A>T, p.Lys927Ter (NM_001130980.2, NM_001130981.2); c.2824A>T, p.Lys942Ter (NM_001130982.2); c.2689A>T, p.Lys897Ter (NM_001130984.2, NM_001130986.2); c.2782A>T, p.Lys928Ter (NM_001130985.2); short protein forms K896*, K897*, K910*, K911*, K927*, K928*, K941*, K942*.
Identifiers: ClinVar variation 1724977 (VCV001724977.3), dbSNP rs1324029651, ClinGen allele CA347214738.

ClinVar aggregate classification (germline): Likely pathogenic (1 of 4 stars; one submission).

Conditions:
Autosomal recessive limb-girdle muscular dystrophy. Identifiers: Orphanet 102015, MedGen C2931907, MONDO:0015152.

Submission:

Myriad Genetics, Inc.
Classification: Likely pathogenic for Autosomal recessive limb-girdle muscular dystrophy. Last evaluated: 2022-03-03. Review status: criteria provided, single submitter. Criteria: Myriad Autosomal Dominant, Autosomal Recessive and X-Linked Classification Criteria (2023). Collection method: clinical testing. Allele origin: unknown.
Comment: NM_003494.3(DYSF):c.2728A>T(K910*) is expected to be pathogenic in the context of dysferlinopathy. This variant is predicted to lead to an abnormal or absent protein product due to the creation of a premature termination codon in DYSF, a gene where loss-of-function variants are known to be pathogenic. Please note: this variant was assessed in the context of healthy population screening.